The following is an entry in ClinVar:

ClinVar aggregate classification (germline): Uncertain significance (1 of 4 stars; one submission).

Submission:

Ambry Genetics
Classification: Uncertain significance. Last evaluated: 2023-09-22. Review status: criteria provided, single submitter. Criteria: Ambry Variant Classification Scheme 2023. Collection method: clinical testing. Allele origin: germline.
Comment: The p.S388W variant (also known as c.1163C>G), located in coding exon 3 of the ALPK2 gene, results from a C to G substitution at nucleotide position 1163. The serine at codon 388 is replaced by tryptophan, an amino acid with highly dissimilar properties. This amino acid position is conserved. In addition, the in silico prediction for this alteration is inconclusive. Since supporting evidence is limited at this time, the clinical significance of this alteration remains unclear.

NM_052947.4(ALPK2):c.1163C>G (p.Ser388Trp)

Genes: ALPK2 (alpha kinase 2; minus strand), LOC114803473 (ALPK2 eExon liver enhancer; plus strand). Cytogenetic location: 18q21.31.
Variant type: single nucleotide variant.
Coding change: c.1163C>G on transcript NM_052947.4 (MANE Select); coding-DNA position 1163, C replaced by G.
Protein change: p.Ser388Trp; replaces serine 388 with tryptophan.
Molecular consequence: missense variant.
Genome position (GRCh38, 1-based): chr18:58,579,613, G>C on the plus strand (C>G on the coding strand, the complement: ALPK2 is on the minus strand). VCF-style: chr18-58579613-G-C. GRCh37 (hg19) VCF-style: chr18-56246845-G-C.
Other names: short protein forms S388W.
Identifiers: ClinVar variation 3228557 (VCV003228557.1), dbSNP rs147887741, ClinGen allele CA402564389.